The following is an entry in ClinVar:

ClinVar aggregate classification (germline): Uncertain significance. Review status: criteria provided, multiple submitters, no conflicts (2 of 4 stars). 4 submissions from 4 submitters: Uncertain significance (4). Last evaluated 2025-08-06.

Conditions:
Charcot-Marie-Tooth disease type 2. Also called: Charcot-Marie-Tooth type 2. Identifiers: Orphanet 64746, MedGen C0270914, MONDO:0018993.

Allele frequency attached by ClinVar (database versions not stated): ExAC 0.00001; gnomAD 0.00001; gnomAD exomes 0.00001; TOPMed 0.00001.
gnomAD v4.1: 18 of 1,614,076 alleles (0.0011%); highest among the groups gnomAD compares: East Asian, 0.0022%; no homozygotes.

Submissions (4):

Athena Diagnostics
Classification: Uncertain significance. Last evaluated: 2025-08-06. Review status: criteria provided, single submitter. Criteria: Athena Diagnostics Criteria. Collection method: clinical testing. Allele origin: unknown.
Comment: Available data are insufficient to determine the clinical significance of the variant at this time. The frequency of this variant in the general population is uninformative in assessment of its pathogenicity. Polyphen and MutationTaster predict this amino acid change may be benign.

GeneDx
Classification: Uncertain significance. Last evaluated: 2024-11-20. Review status: criteria provided, single submitter. Criteria: GeneDx Variant Classification Process June 2021. Collection method: clinical testing. Allele origin: germline. Affected: yes.
Comment: Not observed at significant frequency in large population cohorts (gnomAD); In silico analysis indicates that this missense variant does not alter protein structure/function; Has not been previously published as pathogenic or benign to our knowledge

Blueprint Genetics
Classification: Uncertain significance. Last evaluated: 2024-04-30. Review status: criteria provided, single submitter. Criteria: ACMG Guidelines, 2015. Collection method: clinical testing. Allele origin: germline.

Labcorp Genetics (formerly Invitae), Labcorp
Classification: Uncertain significance for Charcot-Marie-Tooth disease type 2. Last evaluated: 2024-02-23. Review status: criteria provided, single submitter. Criteria: Invitae Variant Classification Sherloc (09022015). Collection method: clinical testing. Allele origin: germline.
Comment: This sequence change replaces arginine, which is basic and polar, with glutamine, which is neutral and polar, at codon 397 of the MFN2 protein (p.Arg397Gln). This variant is present in population databases (rs778219078, gnomAD 0.0009%). This variant has not been reported in the literature in individuals affected with MFN2-related conditions. ClinVar contains an entry for this variant (Variation ID: 432300). Advanced modeling of protein sequence and biophysical properties (such as structural, functional, and spatial information, amino acid conservation, physicochemical variation, residue mobility, and thermodynamic stability) performed at Invitae indicates that this missense variant is not expected to disrupt MFN2 protein function with a negative predictive value of 95%. This variant disrupts the p.Arg397 amino acid residue in MFN2. Other variant(s) that disrupt this residue have been determined to be pathogenic (PMID: 30210586; Invitae). This suggests that this residue is clinically significant, and that variants that disrupt this residue are likely to be disease-causing. In summary, the available evidence is currently insufficient to determine the role of this variant in disease. Therefore, it has been classified as a Variant of Uncertain Significance.

Literature cited by the submitters: PubMed 37910431 (cited by Athena Diagnostics); PubMed 30210586 (cited by Labcorp Genetics (formerly Invitae), Labcorp).

NM_014874.4(MFN2):c.1190G>A (p.Arg397Gln)

Gene: MFN2 (mitofusin 2; plus strand). Cytogenetic location: 1p36.22.
Variant type: single nucleotide variant.
Coding change: c.1190G>A on transcript NM_014874.4 (MANE Select); coding-DNA position 1190, G replaced by A.
Protein change: p.Arg397Gln; replaces arginine 397 with glutamine.
Molecular consequence: missense variant.
Genome position (GRCh38, 1-based): chr1:12,004,021, G>A. VCF-style: chr1-12004021-G-A. GRCh37 (hg19) VCF-style: chr1-12064078-G-A.
Other names: c.1190G>A, p.Arg397Gln (NM_001127660.2); short protein forms R397Q.
Identifiers: ClinVar variation 432300 (VCV000432300.12), dbSNP rs778219078, ClinGen allele CA599046.